The following is an entry in ClinVar:

ClinVar aggregate classification (germline): Uncertain significance (1 of 4 stars; one submission).

Allele frequency attached by ClinVar (database versions not stated): gnomAD 0.00001; TOPMed 0.00001.
gnomAD v4.1: 2 of 1,579,254 alleles (0.00013%); highest among the groups gnomAD compares: Non-Finnish European, 0.000086%; no homozygotes.

Submission:

Labcorp Genetics (formerly Invitae), Labcorp
Classification: Uncertain significance. Last evaluated: 2024-02-17. Review status: criteria provided, single submitter. Criteria: Invitae Variant Classification Sherloc (09022015). Collection method: clinical testing. Allele origin: germline.
Comment: This sequence change falls in intron 2 of the CEP97 gene. It does not directly change the encoded amino acid sequence of the CEP97 protein. It affects a nucleotide within the consensus splice site. This variant is present in population databases (no rsID available, gnomAD 0.001%). This variant has not been reported in the literature in individuals affected with CEP97-related conditions. ClinVar contains an entry for this variant (Variation ID: 1967450). Variants that disrupt the consensus splice site are a relatively common cause of aberrant splicing (PMID: 17576681, 9536098). Algorithms developed to predict the effect of sequence changes on RNA splicing suggest that this variant is not likely to affect RNA splicing. In summary, the available evidence is currently insufficient to determine the role of this variant in disease. Therefore, it has been classified as a Variant of Uncertain Significance.

Literature cited by the submitters: PubMed 17576681; PubMed 9536098.

NM_024548.4(CEP97):c.186+3A>T

Gene: CEP97 (centrosomal protein 97; plus strand). Cytogenetic location: 3q12.3.
Variant type: single nucleotide variant.
Coding change: c.186+3A>T on transcript NM_024548.4 (MANE Select); 3 bases into the intron after coding-DNA position 186, A replaced by T.
Molecular consequence: intron variant.
Genome position (GRCh38, 1-based): chr3:101,726,739, A>T. VCF-style: chr3-101726739-A-T. GRCh37 (hg19) VCF-style: chr3-101445583-A-T.
Other names: c.186+3A>T (NM_001303401.2).
Identifiers: ClinVar variation 1967450 (VCV001967450.5), dbSNP rs759026391, ClinGen allele CA79785107.